The following is an entry in ClinVar:

ClinVar aggregate classification (germline): Uncertain significance (1 of 4 stars; one submission).

Conditions:
Birt-Hogg-Dube syndrome. Also called: Birt Hogg Dubé syndrome. Identifiers: Orphanet 122, MedGen C0346010, MONDO:0800444.

Allele frequency attached by ClinVar (database versions not stated): TOPMed 0.00001.

Submission:

Labcorp Genetics (formerly Invitae), Labcorp
Classification: Uncertain significance for Birt-Hogg-Dube syndrome. Last evaluated: 2018-05-07. Review status: criteria provided, single submitter. Criteria: Invitae Variant Classification Sherloc (09022015). Collection method: clinical testing. Allele origin: germline.
Comment: In summary, the available evidence is currently insufficient to determine the role of this variant in disease. Therefore, it has been classified as a Variant of Uncertain Significance. Algorithms developed to predict the effect of sequence changes on RNA splicing suggest that this variant may create or strengthen a splice site, but this prediction has not been confirmed by published transcriptional studies. This variant has been observed in a family with suspected Birt-Hogg-Dubé syndrome (Invitae). ClinVar contains an entry for this variant (Variation ID: 460619). This variant is not present in population databases (ExAC no frequency). This sequence change affects codon 191 of the FLCN mRNA. It is a 'silent' change, meaning that it does not change the encoded amino acid sequence of the FLCN protein.

NM_144997.7(FLCN):c.573G>T (p.Gly191=)

Gene: FLCN (folliculin; minus strand). Cytogenetic location: 17p11.2.
Variant type: single nucleotide variant.
Coding change: c.573G>T on transcript NM_144997.7 (MANE Select); coding-DNA position 573, G replaced by T.
Protein change: p.Gly191=; no amino-acid change (glycine 191 retained).
Molecular consequence: synonymous variant.
Genome position (GRCh38, 1-based): chr17:17,223,967, C>A on the plus strand (G>T on the coding strand, the complement: FLCN is on the minus strand). VCF-style: chr17-17223967-C-A. GRCh37 (hg19) VCF-style: chr17-17127281-C-A.
Other names: c.573G>T (LRG_325t1); c.627G>T, p.Gly209= (NM_001353229.2); c.573G>T, p.Gly191= (NM_001353230.2, NM_001353231.2, NM_144606.7).
Identifiers: ClinVar variation 460619 (VCV000460619.6), dbSNP rs1394124940, ClinGen allele CA498166156.